The following is an entry in ClinVar:

NM_018444.4(PDP1):c.515C>T (p.Thr172Ile)

Gene: PDP1 (pyruvate dehydrogenase phosphatase catalytic subunit 1; plus strand). Cytogenetic location: 8q22.1.
Variant type: single nucleotide variant.
Coding change: c.515C>T on transcript NM_018444.4 (MANE Select); coding-DNA position 515, C replaced by T.
Protein change: p.Thr172Ile; replaces threonine 172 with isoleucine.
Molecular consequence: missense variant.
Genome position (GRCh38, 1-based): chr8:93,922,574, C>T. VCF-style: chr8-93922574-C-T. GRCh37 (hg19) VCF-style: chr8-94934802-C-T.
Other names: c.590C>T, p.Thr197Ile (NM_001161779.2, NM_001161780.2); c.515C>T, p.Thr172Ile (NM_001161781.2); short protein forms T172I, T197I.
Identifiers: ClinVar variation 1406005 (VCV001406005.6), dbSNP rs750529031, ClinGen allele CA181375179.

ClinVar aggregate classification (germline): Uncertain significance (1 of 4 stars; one submission).

Submission:

Labcorp Genetics (formerly Invitae), Labcorp
Classification: Uncertain significance. Last evaluated: 2022-06-05. Review status: criteria provided, single submitter. Criteria: Invitae Variant Classification Sherloc (09022015). Collection method: clinical testing. Allele origin: germline.
Comment: This sequence change replaces threonine, which is neutral and polar, with isoleucine, which is neutral and non-polar, at codon 172 of the PDP1 protein (p.Thr172Ile). This variant is not present in population databases (gnomAD no frequency). This variant has not been reported in the literature in individuals affected with PDP1-related conditions. ClinVar contains an entry for this variant (Variation ID: 1406005). Algorithms developed to predict the effect of missense changes on protein structure and function are either unavailable or do not agree on the potential impact of this missense change (SIFT: "Tolerated"; PolyPhen-2: "Probably Damaging"; Align-GVGD: "Class C0"). In summary, the available evidence is currently insufficient to determine the role of this variant in disease. Therefore, it has been classified as a Variant of Uncertain Significance.